The following is an entry in ClinVar:

NM_001142800.2(EYS):c.1637_1640del (p.Asp546fs)

Gene: EYS (EGF-like photoreceptor maintenance factor; minus strand). Cytogenetic location: 6q12.
Variant type: Deletion.
Coding change: c.1637_1640del on transcript NM_001142800.2 (MANE Select); coding-DNA positions 1637 to 1640, 4 bases deleted (ACAG; older notation c.1637_1640delACAG).
Protein change: p.Asp546fs; shifts the reading frame from aspartic acid 546.
Molecular consequence: frameshift variant.
Genome position (GRCh38, 1-based): chr6:65,335,106-65,335,109, CTGT deleted on the plus strand (ACAG on the coding strand, the reverse complement: EYS is on the minus strand); deleting any 4 consecutive bases within chr6:65,335,106-65,335,111 gives the same sequence; the c. name uses the placement nearest the transcript's 3' end. VCF-style (leftmost placement, unchanged base first): chr6-65335105-ACTGT-A. GRCh37 (hg19) VCF-style: chr6-66044998-ACTGT-A.
Other names: c.1637_1640del, p.Asp546fs (NM_001142801.2, NM_001292009.2, NM_198283.2); short protein forms D546fs.
Identifiers: ClinVar variation 1073395 (VCV001073395.9), dbSNP rs2150313758, ClinGen allele CA2499218487.

ClinVar aggregate classification (germline): Pathogenic/Likely pathogenic. Review status: criteria provided, multiple submitters, no conflicts (2 of 4 stars). 3 submissions from 3 submitters: Pathogenic (2); Likely pathogenic (1). Last evaluated 2025-11-28.

Conditions:
Retinitis pigmentosa 25 (RP25). Identifiers: Orphanet 791, MedGen C1864446, MONDO:0011272, OMIM 602772.

Submissions (3):

Ophthalmology, Kobe City Eye Hospital
Classification: Pathogenic for Retinitis pigmentosa 25. Last evaluated: 2025-11-28. Review status: criteria provided, single submitter. Criteria: Fujinami et al. (Jpn J Ophthalmol. 2024). Collection method: research. Allele origin: germline. Affected: yes. Observed: 2 variant alleles.
Comment: This variant was classified according to the ACMG/AMP guidelines. PVS1_VeryStrong: This null variant is predicted to result in loss of normal protein function, and loss of function is an established disease mechanism for EYS-associated retinitis pigmentosa. PMIDs: 18836446, 20333770. PM2_Moderate: This variant is absent or extremely rare in large population databases such as gnomAD, consistent with a recessive disease mechanism. PP1_Supporting: The variant shows cosegregation with disease in multiple affected family members, supporting its pathogenicity. PP5_Supporting: A reputable source has previously reported this variant as pathogenic, providing additional supporting evidence(PMID:20333770). Based on PVS1_VeryStrong, PM2_Moderate, PM3_Moderate, PP1_Supporting, and PP5_Supporting, this variant is classified as pathogenic.

Labcorp Genetics (formerly Invitae), Labcorp
Classification: Pathogenic. Last evaluated: 2024-06-17. Review status: criteria provided, single submitter. Criteria: Invitae Variant Classification Sherloc (09022015). Collection method: clinical testing. Allele origin: germline.
Comment: This sequence change creates a premature translational stop signal (p.Asp546Valfs*63) in the EYS gene. It is expected to result in an absent or disrupted protein product. Loss-of-function variants in EYS are known to be pathogenic (PMID: 18836446, 20333770). This variant is not present in population databases (gnomAD no frequency). This variant has not been reported in the literature in individuals affected with EYS-related conditions. ClinVar contains an entry for this variant (Variation ID: 1073395). For these reasons, this variant has been classified as Pathogenic.

Baylor Genetics
Classification: Likely pathogenic for Retinitis pigmentosa 25. Last evaluated: 2023-02-16. Review status: criteria provided, single submitter. Criteria: ACMG Guidelines, 2015. Collection method: clinical testing. Allele origin: unknown.

Literature cited by the submitters: 20333770, 18836446, 20333770 (cited by Ophthalmology, Kobe City Eye Hospital); PubMed 18836446 (cited by Labcorp Genetics (formerly Invitae), Labcorp); PubMed 20333770 (cited by Labcorp Genetics (formerly Invitae), Labcorp).